The following is an entry in ClinVar:

NM_000132.4(F8):c.1316G>T (p.Gly439Val)

Gene: F8 (coagulation factor VIII; minus strand). Cytogenetic location: Xq28.
Variant type: single nucleotide variant.
Coding change: c.1316G>T on transcript NM_000132.4 (MANE Select); coding-DNA position 1316, G replaced by T.
Protein change: p.Gly439Val; replaces glycine 439 with valine.
Molecular consequence: missense variant.
Genome position (GRCh38, 1-based): chrX:154,966,097, C>A on the plus strand (G>T on the coding strand, the complement: F8 is on the minus strand). VCF-style: chrX-154966097-C-A. GRCh37 (hg19) VCF-style: chrX-154194372-C-A.
Other names: short protein forms G439V.
Identifiers: ClinVar variation 1330920 (VCV001330920.9), dbSNP rs1362305882, ClinGen allele CA414915108.

ClinVar aggregate classification (germline): Pathogenic. Review status: criteria provided, multiple submitters, no conflicts (2 of 4 stars). 2 submissions from 2 submitters: Pathogenic (2). Last evaluated 2024-01-23.

Conditions:
Hereditary factor VIII deficiency disease (HEMA). Also called: HEMOPHILIA, CLASSIC; AUTOSOMAL HEMOPHILIA A; Hemophilia A; Hemophilia A, congenital; HEM A; Factor 8 deficiency, congenital. Identifiers: Orphanet 98878, MedGen C0019069, MONDO:0010602, OMIM 306700.

Allele frequency attached by ClinVar (database versions not stated): gnomAD 0.00001.
gnomAD v4.1: 1 of 1,209,011 alleles (0.000083%); highest among the groups gnomAD compares: African/African-American, 0.0018%; no homozygotes.

Submissions (2):

Women's Health and Genetics/Laboratory Corporation of America, LabCorp
Classification: Pathogenic for Hereditary factor VIII deficiency disease. Last evaluated: 2024-01-23. Review status: criteria provided, single submitter. Criteria: LabCorp Variant Classification Summary - May 2015. Collection method: clinical testing. Allele origin: germline.
Comment: Variant summary: F8 c.1316G>T (p.Gly439Val) results in a non-conservative amino acid change in the encoded protein sequence. Five of five in-silico tools predict a damaging effect of the variant on protein function. The variant was absent in 182875 control chromosomes (gnomAD). c.1316G>T has been reported in the literature in multiple individuals affected with Factor VIII Deficiency (Hemophilia A) (e.g., Laprise_1998, Citron_2002, Viel_2009, Miller_2012, Johnsen_2017). These data indicate that the variant is very likely to be associated with disease. At least one publication reports factor VIII coagulant activity (FVIII:C) levels (Johnsen_2017, F8 database), and all patients reported to harbor the variant had FVIII:C levels ranging from <1% to 5.5%. The following publications have been ascertained in the context of this evaluation (PMID: 12325022, 9829908, 22103590, 19369668, 29296726). ClinVar contains an entry for this variant (Variation ID: 1330920). Based on the evidence outlined above, the variant was classified as pathogenic.

ARUP Laboratories, Molecular Genetics and Genomics, ARUP Laboratories
Classification: Pathogenic. Last evaluated: 2023-01-23. Review status: criteria provided, single submitter. Criteria: ARUP Molecular Germline Variant Investigation Process 2024. Collection method: clinical testing. Allele origin: germline.
Comment: The F8 c.1316G>T; p.Gly439Val variant (rs1362305882), also known as p.Gly420Val, is reported in the literature in numerous individuals affected with mild to severe hemophilia A (see F8 database and references therein). In vitro functional analyses demonstrate that individuals with this variant have factor VIII activity between <1 and 5.5% (F8 database). This variant is absent from the Genome Aggregation Database, indicating it is not a common polymorphism. Additionally, other amino acid substitutions at this codon (Ala, Asp, Cys, Ser) have been reported in individuals with moderate to severe hemophilia A and are considered pathogenic (Liu 2002, Nair 2010, Santacroce 2008). The glycine at codon 439 is highly conserved, and computational analyses predict that this variant is deleterious (REVEL: 0.962). Based on available information, the p.Gly439Val variant is considered to be pathogenic. References: F8 variant database: Liu ML et al. Non-inversion factor VIII mutations in 80 hemophilia A families including 24 with alloimmune responses. Thromb Haemost. 2002 Feb;87(2):273-6. PMID: 11858487. Nair PS et al. Molecular pathology of haemophilia A in Indian patients: identification of 11 novel mutations. Clin Chim Acta. 2010 Dec 14;411(23-24):2004-8. PMID: 20800587. Santacroce R et al. Identification of 217 unreported mutations in the F8 gene in a group of 1,410 unselected Italian patients with hemophilia A. J Hum Genet. 2008;53(3):275-284. PMID: 18217193.

Literature cited by the submitters: PubMed 22103590 (cited by Women's Health and Genetics/Laboratory Corporation of America, LabCorp); PubMed 29296726 (cited by Women's Health and Genetics/Laboratory Corporation of America, LabCorp); PubMed 12325022 (cited by Women's Health and Genetics/Laboratory Corporation of America, LabCorp); PubMed 9829908 (cited by Women's Health and Genetics/Laboratory Corporation of America, LabCorp); PubMed 19369668 (cited by Women's Health and Genetics/Laboratory Corporation of America, LabCorp).